The following is an entry in ClinVar:

NM_004360.5(CDH1):c.496A>G (p.Asn166Asp)

Gene: CDH1 (cadherin 1; plus strand). Cytogenetic location: 16q22.1.
Variant type: single nucleotide variant.
Coding change: c.496A>G on transcript NM_004360.5 (MANE Select); coding-DNA position 496, A replaced by G.
Protein change: p.Asn166Asp; replaces asparagine 166 with aspartic acid.
Molecular consequence: missense variant. On other transcripts: 5 prime UTR variant (2).
Genome position (GRCh38, 1-based): chr16:68,808,532, A>G. VCF-style: chr16-68808532-A-G. GRCh37 (hg19) VCF-style: chr16-68842435-A-G.
Other names: c.496A>G, p.Asn166Asp (NM_001317184.2); c.-1120A>G (NM_001317185.2); c.-1324A>G (NM_001317186.2); short protein forms N166D.
Identifiers: ClinVar variation 5033973 (VCV005033973.1).

ClinVar aggregate classification (germline): Uncertain significance (1 of 4 stars; one submission).

Conditions:
Hereditary cancer-predisposing syndrome. Also called: Neoplastic Syndromes, Hereditary; Tumor predisposition; Hereditary neoplastic syndrome; Hereditary Cancer Syndrome. Identifiers: Orphanet 140162, MedGen C0027672, MeSH D009386, MONDO:0015356.

Submission:

Ambry Genetics
Classification: Uncertain significance for Hereditary cancer-predisposing syndrome. Last evaluated: 2026-07-07. Review status: criteria provided, single submitter. Criteria: Ambry Variant Classification Scheme 2023. Collection method: clinical testing. Allele origin: germline.
Comment: The p.N166D variant (also known as c.496A>G), located in coding exon 4 of the CDH1 gene, results from an A to G substitution at nucleotide position 496. The asparagine at codon 166 is replaced by aspartic acid, an amino acid with highly similar properties. This amino acid position is conserved. In addition, the in silico prediction for this alteration is inconclusive. Based on the available evidence, the clinical significance of this variant remains unclear.